The following is an entry in ClinVar:

NM_005228.5(EGFR):c.316A>G (p.Ile106Val)

Gene: EGFR (epidermal growth factor receptor; plus strand). Cytogenetic location: 7p11.2.
Variant type: single nucleotide variant.
Coding change: c.316A>G on transcript NM_005228.5 (MANE Select); coding-DNA position 316, A replaced by G.
Protein change: p.Ile106Val; replaces isoleucine 106 with valine.
Molecular consequence: missense variant. On other transcripts: intron variant (1).
Genome position (GRCh38, 1-based): chr7:55,143,380, A>G. VCF-style: chr7-55143380-A-G. GRCh37 (hg19) VCF-style: chr7-55211073-A-G.
Other names: c.316A>G, p.Ile106Val (NM_001346897.2, NM_001346898.2, NM_001346899.2 and 3 more transcripts); c.157A>G, p.Ile53Val (NM_001346900.2); c.89-12450A>G (NM_001346941.2); short protein forms I106V, I53V.
Identifiers: ClinVar variation 2789713 (VCV002789713.4), dbSNP rs771366736, ClinGen allele CA4265180.

ClinVar aggregate classification (germline): Uncertain significance. Review status: criteria provided, multiple submitters, no conflicts (2 of 4 stars). 2 submissions from 2 submitters: Uncertain significance (2). Last evaluated 2025-10-17.

Conditions:
Hereditary cancer-predisposing syndrome. Also called: Hereditary neoplastic syndrome; Neoplastic Syndromes, Hereditary; Tumor predisposition; Hereditary Cancer Syndrome. Identifiers: Orphanet 140162, MedGen C0027672, MeSH D009386, MONDO:0015356.
EGFR-related lung cancer (EGFR). Identifiers: MedGen CN130014.

Allele frequency attached by ClinVar (database versions not stated): ExAC 0.00001; gnomAD 0.00001; TOPMed 0.00001.

Submissions (2):

Ambry Genetics
Classification: Uncertain significance for Hereditary cancer-predisposing syndrome. Last evaluated: 2025-10-17. Review status: criteria provided, single submitter. Criteria: Ambry Variant Classification Scheme 2023. Collection method: clinical testing. Allele origin: germline.
Comment: The p.I106V variant (also known as c.316A>G), located in coding exon 3 of the EGFR gene, results from an A to G substitution at nucleotide position 316. The isoleucine at codon 106 is replaced by valine, an amino acid with highly similar properties. This amino acid position is conserved. In addition, this alteration is predicted to be tolerated by in silico analysis. Based on the available evidence, the clinical significance of this variant remains unclear.

Labcorp Genetics (formerly Invitae), Labcorp
Classification: Uncertain significance for EGFR-related lung cancer. Last evaluated: 2025-08-18. Review status: criteria provided, single submitter. Criteria: Invitae Variant Classification Sherloc (09022015). Collection method: clinical testing. Allele origin: germline.
Comment: This sequence change replaces isoleucine, which is neutral and non-polar, with valine, which is neutral and non-polar, at codon 106 of the EGFR protein (p.Ile106Val). This variant is present in population databases (rs771366736, gnomAD 0.01%). This variant has not been reported in the literature in individuals affected with EGFR-related conditions. ClinVar contains an entry for this variant (Variation ID: 2789713). Invitae Evidence Modeling of protein sequence and biophysical properties (such as structural, functional, and spatial information, amino acid conservation, physicochemical variation, residue mobility, and thermodynamic stability) indicates that this missense variant is not expected to disrupt EGFR protein function with a negative predictive value of 80%. In summary, the available evidence is currently insufficient to determine the role of this variant in disease. Therefore, it has been classified as a Variant of Uncertain Significance.